The following is an entry in ClinVar:

NM_003467.3(CXCR4):c.966_967del (p.Gly323fs)

Gene: CXCR4 (C-X-C motif chemokine receptor 4; minus strand). Cytogenetic location: 2q22.1.
Variant type: Microsatellite.
Coding change: c.966_967del on transcript NM_003467.3 (MANE Select); coding-DNA positions 966 to 967, 2 bases deleted (AG; older notation c.966_967delAG).
Protein change: p.Gly323fs; shifts the reading frame from glycine 323.
Molecular consequence: frameshift variant.
Genome position (GRCh38, 1-based): chr2:136,114,961-136,114,962, CT deleted on the plus strand (AG on the coding strand, the reverse complement: CXCR4 is on the minus strand); deleting any 2 consecutive bases within chr2:136,114,961-136,114,964 gives the same sequence; the c. name uses the placement nearest the transcript's 3' end. VCF-style (leftmost placement, unchanged base first): chr2-136114960-CCT-C. GRCh37 (hg19) VCF-style: chr2-136872530-CCT-C.
Other names: c.978_979del, p.Gly327fs (NM_001008540.2); c.1179_1180del, p.Gly394fs (NM_001348056.2); c.1065_1066del, p.Gly356fs (NM_001348059.2); c.921_922del, p.Gly308fs (NM_001348060.2); short protein forms G308fs, G323fs, G327fs, G356fs, G394fs.
Identifiers: ClinVar variation 3902807 (VCV003902807.2).

ClinVar aggregate classification (germline): Pathogenic (1 of 4 stars; one submission).

Conditions:
WHIM syndrome 1 (WHIMS). Identifiers: Orphanet 51636, MedGen C5542296, MONDO:8000006, OMIM 193670.

Submission:

Research Department, X4 Pharmaceuticals (Austria) GmbH
Classification: Pathogenic for WHIM syndrome 1. Last evaluated: 2025-06-03. Review status: criteria provided, single submitter. Criteria: ACMG Guidelines, 2015. Collection method: curation, in vitro. Allele origin: germline, not applicable. Inheritance: Autosomal dominant inheritance. Affected: yes. Observed: 1 variant allele, 1 heterozygote. Functional consequence: gain_of_function_variant.
Comment: The p.Gly323Valfs*20 frameshift variant has been observed in an individual with clinical features of WHIM syndrome (PMID: 28643496). Experimental studies have shown that this variant affects CXCR4 function (PMID: 36089616). This variant is located in a region of the CXCR4 protein where a significant number of CXCR4 nonsense and frameshift mutations have been reported in association with autosomal dominant WHIM syndrome (PMID: 31313072, 32784523, 35947323, 39040098). This variant is not present in population databases (gnomAD no frequency).

Literature cited by the submitters: PubMed 28643496; PubMed 36089616.